The following is an entry in ClinVar:

NM_007294.4(BRCA1):c.3267G>T (p.Leu1089Phe)

Genes: BRCA1 (BRCA1 DNA repair associated; minus strand), LOC126862571 (BRD4-independent group 4 enhancer GRCh37_chr17:41243136-41244335; plus strand). Cytogenetic location: 17q21.31.
Variant type: single nucleotide variant.
Coding change: c.3267G>T on transcript NM_007294.4 (MANE Select); coding-DNA position 3267, G replaced by T.
Protein change: p.Leu1089Phe; replaces leucine 1089 with phenylalanine.
Molecular consequence: missense variant. On other transcripts: intron variant (137).
Genome position (GRCh38, 1-based): chr17:43,092,264, C>A on the plus strand (G>T on the coding strand, the complement: BRCA1 is on the minus strand). VCF-style: chr17-43092264-C-A. GRCh37 (hg19) VCF-style: chr17-41244281-C-A.
Other names: c.3264G>T, p.Leu1088Phe (NM_001407630.1, NM_001407631.1, NM_001407632.1 and 22 more transcripts); c.3267G>T, p.Leu1089Phe (NM_001407639.1, NM_001407640.1, NM_001407641.1 and 30 more transcripts); c.3258G>T, p.Leu1086Phe (NM_001407646.1, NM_001407647.1); c.3144G>T, p.Leu1048Phe (NM_001407648.1, NM_001407664.1, NM_001407665.1 and 19 more transcripts); c.3141G>T, p.Leu1047Phe (NM_001407649.1, NM_001407670.1, NM_001407671.1 and 11 more transcripts); c.3189G>T, p.Leu1063Phe (NM_001407653.1, NM_001407654.1, NM_001407655.1 and 4 more transcripts); c.3186G>T, p.Leu1062Phe (NM_001407659.1, NM_001407660.1, NM_001407661.1 and 1 more transcripts); c.3126G>T, p.Leu1042Phe (NM_001407692.1, NM_001407694.1, NM_001407695.1 and 29 more transcripts); and 41 more; short protein forms L1089F, L1042F, L1018F, L1041F, L1062F, L1088F, L978F, L1001F.
Identifiers: ClinVar variation 485399 (VCV000485399.23), dbSNP rs767544239, ClinGen allele CA058018.
Genomic context (GRCh38, chr17:43,092,264, plus strand): 5'-TTTTATTTCAGGATGCTTACAATTACTTCCAGGAAGACTTTGTTTATAGACCTCAGGTTG[C>A]AAAACCCCTAATCTAAGCATAGCATTCAATTTTGGCCCTCTGTTTCTACCTAGTTCTGCT-3'
Protein context (NP_009225.1, residues 1079-1099): KLNAMLRLGV[Leu1089Phe]QPEVYKQSLP

ClinVar aggregate classification (germline): Conflicting classifications of pathogenicity. Review status: criteria provided, conflicting classifications (1 of 4 stars). 7 submissions from 7 submitters: Uncertain significance (5); Likely benign (2). Last evaluated 2025-10-23.

Conditions:
Hereditary cancer-predisposing syndrome. Also called: Neoplastic Syndromes, Hereditary; Tumor predisposition; Hereditary Cancer Syndrome; Hereditary neoplastic syndrome. Identifiers: Orphanet 140162, MedGen C0027672, MeSH D009386, MONDO:0015356.
Hereditary breast ovarian cancer syndrome. Also called: Hereditary breast and ovarian cancer syndrome; Hereditary breast and ovarian cancer; Hereditary breast and ovarian cancer syndrome (HBOC); Breast and ovarian cancer; Hereditary breast and/or ovarian cancer syndrome; BRCA1- and BRCA2-Associated Hereditary Breast and Ovarian Cancer. Identifiers: Orphanet 145, MedGen C0677776, MeSH D061325, MONDO:0003582. Disease mechanism: loss of function.

Allele frequency attached by ClinVar (database versions not stated): gnomAD exomes below 0.00001; ExAC 0.00001; gnomAD 0.00001; TOPMed 0.00001.
gnomAD v4.1: 7 of 1,613,626 alleles (0.00043%); highest among the groups gnomAD compares: Non-Finnish European, 0.00059%; no homozygotes.

Submissions (7):

Labcorp Genetics (formerly Invitae), Labcorp
Classification: Likely benign for Hereditary breast ovarian cancer syndrome. Last evaluated: 2025-10-23. Review status: criteria provided, single submitter. Criteria: Invitae Variant Classification Sherloc (09022015). Collection method: clinical testing. Allele origin: germline.

Ambry Genetics
Classification: Uncertain significance for Hereditary cancer-predisposing syndrome. Last evaluated: 2023-11-30. Review status: criteria provided, single submitter. Criteria: Ambry Variant Classification Scheme 2023. Collection method: clinical testing. Allele origin: germline.
Comment: The p.L1089F variant (also known as c.3267G>T), located in coding exon 9 of the BRCA1 gene, results from a G to T substitution at nucleotide position 3267. The leucine at codon 1089 is replaced by phenylalanine, an amino acid with highly similar properties. This alteration was classified as likely benign in a multifactorial model of variant interpretation that incorporates co-segregation, family history, co-occurrence and tumor pathology and case-control data (Parsons MT et al. Hum Mutat, 2019 09;40:1557-1578). This amino acid position is poorly conserved in available vertebrate species. In addition, the in silico prediction for this alteration is inconclusive. Since supporting evidence is limited at this time, the clinical significance of this alteration remains unclear.

University of Washington Department of Laboratory Medicine, University of Washington
Classification: Likely benign for Hereditary cancer-predisposing syndrome. Last evaluated: 2023-03-23. Review status: criteria provided, single submitter. Criteria: Dines et al. (Genet Med. 2020). Collection method: curation. Allele origin: germline.
Comment: Missense variant in a coldspot region where missense variants are very unlikely to be pathogenic (PMID:31911673).

BRCA1 coldspot (exon 11 using historical exon numbering). Reclassification based on statistical prior probability

Quest Diagnostics Nichols Institute San Juan Capistrano
Classification: Uncertain significance. Last evaluated: 2023-01-18. Review status: criteria provided, single submitter. Criteria: Quest Diagnostics criteria. Collection method: clinical testing. Allele origin: unknown.
Comment: In the published literature, it has also been characterized as being likely benign in a multifactorial likelihood study (PMID: 31131967 (2019)). The frequency of this variant in the general population, 0.0000071 (2/281884 chromosomes), is uninformative in assessment of its pathogenicity. In a large-scale case-control study, this variant has only been reported in an individual with breast cancer and none of the controls (PMID: 33471991 (2021), see also LOVD). Analysis of this variant using bioinformatics tools for the prediction of the effect of amino acid changes on protein structure and function yielded predictions that this variant is benign. Based on the available information, we are unable to determine the clinical significance of this variant.

Sema4
Classification: Uncertain significance for Hereditary cancer-predisposing syndrome. Last evaluated: 2021-10-22. Review status: criteria provided, single submitter. Criteria: Sema4 Curation Guidelines. Collection method: curation. Allele origin: germline.
Comment: The BRCA1 c.3267G>T (p.L1089F) variant has been reported in a case-control analysis in 1/60,466 breast cancer cases and was absent in 53,461 controls (PMID: 33471991). It was observed in 2/128474 chromosomes of the Non-Finnish European subpopulation in the large and broad cohorts of the Genome Aggregation Database (PMID: 32461654). The variant has been reported in ClinVar (Variation ID 485399). Functional studies have not been performed, and in silico predictions of the variant's effect on protein function are inconclusive. The evidence is insufficient to meet ACMG/AMP criteria for classifying the variant as benign or pathogenic. Thus, the clinical significance of this variant is currently uncertain.

Color Diagnostics, LLC DBA Color Health
Classification: Uncertain significance for Hereditary cancer-predisposing syndrome. Last evaluated: 2019-05-16. Review status: criteria provided, single submitter. Criteria: ACMG Guidelines, 2015. Collection method: clinical testing. Allele origin: germline.

Women's Health and Genetics/Laboratory Corporation of America, LabCorp
Classification: Uncertain significance. Last evaluated: 2017-12-28. Review status: criteria provided, single submitter. Criteria: LabCorp Variant Classification Summary - May 2015. Collection method: clinical testing. Allele origin: germline.
Comment: Variant summary: The BRCA1 c.3267G>T (p.Leu1089Phe) variant involves the alteration of a non-conserved nucleotide and 2/3 in silico tools predict a damaging outcome for this variant (SNPsandGO and Mutation Taster not captured due to low reliability index and p-value, respectively). This variant was found in 2/276164 control chromosomes (gnomAD) at a frequency of 0.0000072, which does not exceed the estimated maximal expected allele frequency of a pathogenic BRCA1 variant (0.0010005). The variant of interest has not, to our knowledge, been reported in affected individuals via publications and/or reputable databases/clinical diagnostic laboratories; nor evaluated for functional impact by in vivo/vitro studies. Because of the absence of clinical information and the lack of functional studies, the variant is classified as a "Variant of Uncertain Significance (VUS)," until additional information becomes available.

Literature cited by the submitters: PubMed 31131967 (cited by Ambry Genetics and Quest Diagnostics Nichols Institute San Juan Capistrano); PubMed 33471991 (cited by Quest Diagnostics Nichols Institute San Juan Capistrano and Sema4).